The following is an entry in ClinVar:

NM_001018005.2(TPM1):c.505C>G (p.Leu169Val)

Gene: TPM1 (tropomyosin 1; plus strand). Cytogenetic location: 15q22.2.
Variant type: single nucleotide variant.
Coding change: c.505C>G on transcript NM_001018005.2 (MANE Select); coding-DNA position 505, C replaced by G.
Protein change: p.Leu169Val; replaces leucine 169 with valine.
Molecular consequence: missense variant. On other transcripts: non-coding transcript variant (17).
Genome position (GRCh38, 1-based): chr15:63,060,881, C>G. VCF-style: chr15-63060881-C-G. GRCh37 (hg19) VCF-style: chr15-63353080-C-G.
Other names: c.397C>G, p.Leu133Val (NM_001407342.1, NM_001407344.1, NM_001365780.1 and 9 more transcripts); c.505C>G, p.Leu169Val (NM_001365777.1, NM_001365779.1, NM_001407325.1 and 20 more transcripts); c.631C>G, p.Leu211Val (NM_001365778.1, NM_001407322.1, NM_001407323.1 and 1 more transcripts); short protein forms L133V, L211V, L169V.
Identifiers: ClinVar variation 2810519 (VCV002810519.3), dbSNP rs1351394245, ClinGen allele CA392723096.

ClinVar aggregate classification (germline): Uncertain significance (1 of 4 stars; one submission).

Conditions:
Hypertrophic cardiomyopathy. Also called: HYPERTROPHIC MYOCARDIOPATHY. Identifiers: Orphanet 217569, MedGen C0007194, MeSH D002312, MONDO:0005045, HP:0001639.

Submission:

Labcorp Genetics (formerly Invitae), Labcorp
Classification: Uncertain significance for Hypertrophic cardiomyopathy. Last evaluated: 2022-11-17. Review status: criteria provided, single submitter. Criteria: Invitae Variant Classification Sherloc (09022015). Collection method: clinical testing. Allele origin: germline.
Comment: This sequence change replaces leucine, which is neutral and non-polar, with valine, which is neutral and non-polar, at codon 169 of the TPM1 protein (p.Leu169Val). In summary, the available evidence is currently insufficient to determine the role of this variant in disease. Therefore, it has been classified as a Variant of Uncertain Significance. Algorithms developed to predict the effect of missense changes on protein structure and function are either unavailable or do not agree on the potential impact of this missense change (SIFT: "Tolerated"; PolyPhen-2: "Probably Damaging"; Align-GVGD: "Class C0"). This variant has not been reported in the literature in individuals affected with TPM1-related conditions. This variant is not present in population databases (gnomAD no frequency).